The following is an entry in ClinVar:

NM_001370259.2(MEN1):c.1080C>T (p.Ile360=)

Gene: MEN1 (menin 1; minus strand). Cytogenetic location: 11q13.1.
Variant type: single nucleotide variant.
Coding change: c.1080C>T on transcript NM_001370259.2 (MANE Select); coding-DNA position 1080, C replaced by T.
Protein change: p.Ile360=; no amino-acid change (isoleucine 360 retained).
Molecular consequence: synonymous variant.
Genome position (GRCh38, 1-based): chr11:64,805,740, G>A on the plus strand (C>T on the coding strand, the complement: MEN1 is on the minus strand). VCF-style: chr11-64805740-G-A. GRCh37 (hg19) VCF-style: chr11-64573212-G-A.
Other names: c.1095C>T, p.Ile365= (NM_000244.4, NM_130800.3, NM_130801.3 and 3 more transcripts); c.1206C>T, p.Ile402= (NM_001370251.2); c.1080C>T, p.Ile360= (NM_001370260.2, NM_001370261.2, NM_130799.3); c.975C>T, p.Ile325= (NM_001370262.2, NM_001370263.2); c.1095C>T (NM_000244.3).
Identifiers: ClinVar variation 219447 (VCV000219447.58), dbSNP rs147331514, ClinGen allele CA059924.
Genomic context (GRCh38, chr11:64,805,740, plus strand): 5'-GGCTGCCTCCTTCAGCAGGTTGGGGATGACATCATTGGCTACTTCAAAGAACTCCTTGTA[G>A]ATCTCCTCGTCTTCCCGGCAGTAGTTGTAGCTGTGAGAGCAGTGGGGTCTCTGTAGGGTC-3'
Protein context (NP_001357188.2, residues 350-370): DYNYCREDEE[Ile360=]YKEFFEVAND

ClinVar aggregate classification (germline): Benign/Likely benign. Review status: criteria provided, multiple submitters, no conflicts (2 of 4 stars). 14 submissions from 14 submitters: Benign (2); Likely benign (9). 3 of the submissions do not count toward it. Last evaluated 2026-01-31.

Conditions:
MEN1-related disorder. Also called: MEN1-related condition.
Hereditary cancer-predisposing syndrome. Also called: Neoplastic Syndromes, Hereditary; Hereditary Cancer Syndrome; Tumor predisposition; Hereditary neoplastic syndrome. Identifiers: Orphanet 140162, MedGen C0027672, MeSH D009386, MONDO:0015356.
Multiple endocrine neoplasia, type 1 (MEN1). Also called: MEN I; Endocrine adenomatosis multiple; MEN 1; MEA I; WERMER SYNDROME. Identifiers: Orphanet 652, MedGen C0025267, MeSH D018761, MONDO:0007540, OMIM 131100.

Allele frequency attached by ClinVar (database versions not stated): ESP Exome Variant Server 0.00015; gnomAD 0.00015 and 0.00016; gnomAD exomes 0.00020 and 0.00012; ExAC 0.00012; TOPMed 0.00014.
gnomAD v4.1: 308 of 1,614,082 alleles (0.019%); highest among the groups gnomAD compares: Non-Finnish European, 0.025%; no homozygotes.

Submissions (14):

Labcorp Genetics (formerly Invitae), Labcorp
Classification: Likely benign for Multiple endocrine neoplasia, type 1. Last evaluated: 2026-01-31. Review status: criteria provided, single submitter. Criteria: Invitae Variant Classification Sherloc (09022015). Collection method: clinical testing. Allele origin: germline.

CeGaT Center for Human Genetics Tuebingen
Classification: Likely benign. Last evaluated: 2025-07-01. Review status: criteria provided, single submitter. Criteria: CeGaT Center For Human Genetics Tuebingen Variant Classification Criteria Version 2. Collection method: clinical testing. Allele origin: germline. Affected: yes. Observed: 4 variant alleles.
Comment: MEN1: BP4, BP7

Quest Diagnostics Nichols Institute San Juan Capistrano
Classification: Likely benign. Last evaluated: 2025-06-10. Review status: criteria provided, single submitter. Criteria: Quest Diagnostics criteria. Collection method: clinical testing. Allele origin: unknown.

Women's Health and Genetics/Laboratory Corporation of America, LabCorp
Classification: Benign. Last evaluated: 2024-12-10. Review status: criteria provided, single submitter. Criteria: LabCorp Variant Classification Summary - May 2015. Collection method: clinical testing. Allele origin: germline.
Comment: Variant summary: MEN1 c.1080C>T results in a synonymous change. Consensus agreement among computation tools predict no significant impact on normal splicing (TrAP). However, these predictions have yet to be confirmed by functional studies. The variant allele was found at a frequency of 0.00012 in 251484 control chromosomes. The observed variant frequency is approximately 5.54 fold of the estimated maximal expected allele frequency for a pathogenic variant in MEN1 causing Multiple Endocrine Neoplasia Type 1 phenotype (2.1e-05). ClinVar contains an entry for this variant (Variation ID: 219447). Based on the evidence outlined above, the variant was classified as benign.

Myriad Genetics, Inc.
Classification: Benign for Multiple endocrine neoplasia, type 1. Last evaluated: 2024-11-04. Review status: criteria provided, single submitter. Criteria: Myriad Autosomal Dominant, Autosomal Recessive and X-Linked Classification Criteria (2023). Collection method: clinical testing. Allele origin: unknown.
Comment: This variant is considered benign. This variant is a silent/synonymous amino acid change and it is not expected to impact splicing.

All of Us Research Program, National Institutes of Health
Classification: Likely benign for Multiple endocrine neoplasia, type 1. Last evaluated: 2024-02-05. Review status: criteria provided, single submitter. Criteria: ACMG Guidelines, 2015. Collection method: clinical testing. Allele origin: germline. Inheritance: Autosomal dominant inheritance. Observed: 27 variant alleles, 27 heterozygotes.
Comment: This study involves interpretation of variants in research participants for the purpose of population health screening. Participant phenotype was not available at the time of variant classification. Additional details can be found in publication PMID: 35346344, PMCID: PMC8962531

Color Diagnostics, LLC DBA Color Health
Classification: Likely benign for Multiple endocrine neoplasia, type 1. Last evaluated: 2022-09-16. Review status: criteria provided, single submitter. Criteria: ACMG Guidelines, 2015. Collection method: clinical testing. Allele origin: germline.

GeneDx
Classification: Likely benign. Last evaluated: 2021-06-16. Review status: criteria provided, single submitter. Criteria: GeneDx Variant Classification Process June 2021. Collection method: clinical testing. Allele origin: germline. Affected: yes.
Comment: In silico analysis supports that this variant does not alter splicing; Has not been previously published as pathogenic or benign to our knowledge; This variant is associated with the following publications: (PMID: 27535533)

Mendelics
Classification: Likely benign for Multiple endocrine neoplasia, type 1. Last evaluated: 2019-05-28. Review status: criteria provided, single submitter. Criteria: Mendelics Assertion Criteria 2017. Collection method: clinical testing. Allele origin: unknown.

ARUP Laboratories, Molecular Genetics and Genomics, ARUP Laboratories
Classification: Likely benign. Last evaluated: 2016-09-12. Review status: criteria provided, single submitter. Criteria: ARUP Molecular Germline Variant Investigation Process. Collection method: clinical testing. Allele origin: germline.

Ambry Genetics
Classification: Likely benign for Hereditary cancer-predisposing syndrome. Last evaluated: 2015-12-04. Review status: criteria provided, single submitter. Criteria: Ambry Variant Classification Scheme 2023. Collection method: clinical testing. Allele origin: germline.

PreventionGenetics, part of Exact Sciences
Classification: Likely benign for MEN1-related condition. Last evaluated: 2019-07-31. Review status: no assertion criteria provided. Collection method: clinical testing. Allele origin: germline. Not counted in ClinVar's aggregate classification.
Comment: This variant is classified as likely benign based on ACMG/AMP sequence variant interpretation guidelines (Richards et al. 2015 PMID: 25741868, with internal and published modifications).

Diagnostic Laboratory, Department of Genetics, University Medical Center Groningen
Classification: Likely benign. Review status: no assertion criteria provided. Collection method: clinical testing. Allele origin: germline. Affected: yes. Study: VKGL Data-share Consensus. Not counted in ClinVar's aggregate classification.

Genome Diagnostics Laboratory, Amsterdam University Medical Center
Classification: Likely benign. Review status: no assertion criteria provided. Collection method: clinical testing. Allele origin: germline. Affected: yes. Study: VKGL Data-share Consensus. Not counted in ClinVar's aggregate classification.

Literature cited by the submitters: PubMed 15767809 (cited by Women's Health and Genetics/Laboratory Corporation of America, LabCorp).